The following is an entry in ClinVar:

ClinVar aggregate classification (germline): Conflicting classifications of pathogenicity. Review status: criteria provided, conflicting classifications (1 of 4 stars). 4 submissions from 4 submitters: Uncertain significance (1); Likely benign (2). 1 of the submissions does not count toward it. Last evaluated 2026-01-27.

Conditions:
BCKDHB-related disorder. Also called: BCKDHB-related condition.
Maple syrup urine disease (MSUD). Identifiers: Orphanet 511, MedGen C0024776, MeSH D008375, MONDO:0009563. Disease mechanism: loss of function.
Maple syrup urine disease type 1A (MSUD1A). Also called: MSUD type 1A. Identifiers: MedGen C1855369, MONDO:0023691, OMIM 248600.
Maple syrup urine disease type 1B (MSUD1B). Also called: MSUD type IB; MSUD type 3 (formerly); MSUD due to deficiency of e1-beta subunit of branched-chain alpha-keto acid dehydrogenase complex. Identifiers: MedGen C2930990, MONDO:0023692, OMIM 620698.

Allele frequency attached by ClinVar (database versions not stated): gnomAD exomes 0.00006; ExAC 0.00011; ESP Exome Variant Server 0.00031; gnomAD 0.00036 and 0.00039; TOPMed 0.00037.
gnomAD v4.1: 110 of 1,612,788 alleles (0.0068%); highest among the groups gnomAD compares: African/African-American, 0.13%; no homozygotes.

Submissions (4):

Labcorp Genetics (formerly Invitae), Labcorp
Classification: Likely benign for Maple syrup urine disease. Last evaluated: 2026-01-27. Review status: criteria provided, single submitter. Criteria: Invitae Variant Classification Sherloc (09022015). Collection method: clinical testing. Allele origin: germline.

PreventionGenetics, part of Exact Sciences
Classification: Likely benign for BCKDHB-related condition. Last evaluated: 2025-06-17. Review status: criteria provided, single submitter. Criteria: ACMG Guidelines, 2015. Collection method: clinical testing. Allele origin: germline.
Comment: This variant is classified as likely benign based on ACMG/AMP sequence variant interpretation guidelines (Richards et al. 2015 PMID: 25741868, with internal and published modifications).

Revvity Omics, Revvity
Classification: Uncertain significance for Maple syrup urine disease type 1A. Last evaluated: 2020-11-09. Review status: criteria provided, single submitter. Criteria: ACMG Guidelines, 2015. Collection method: clinical testing. Allele origin: germline.

Natera, Inc.
Classification: Uncertain significance for Maple syrup urine disease type 1B. Last evaluated: 2020-04-13. Review status: no assertion criteria provided. Collection method: clinical testing. Allele origin: germline. Not counted in ClinVar's aggregate classification.

NM_183050.4(BCKDHB):c.411G>A (p.Ala137=)

Gene: BCKDHB (branched chain keto acid dehydrogenase E1 subunit beta; plus strand). Cytogenetic location: 6q14.1.
Variant type: single nucleotide variant.
Coding change: c.411G>A on transcript NM_183050.4 (MANE Select); coding-DNA position 411, G replaced by A.
Protein change: p.Ala137=; no amino-acid change (alanine 137 retained).
Molecular consequence: synonymous variant. On other transcripts: non-coding transcript variant (1).
Genome position (GRCh38, 1-based): chr6:80,167,745, G>A. VCF-style: chr6-80167745-G-A. GRCh37 (hg19) VCF-style: chr6-80877462-G-A.
Other names: c.411G>A (NM_183050.3); c.411G>A, p.Ala137= (NM_000056.5); c.201G>A, p.Ala67= (NM_001318975.1).
Identifiers: ClinVar variation 790931 (VCV000790931.15), dbSNP rs142858149, ClinGen allele CA3902602.